The following is an entry in ClinVar:

NM_000053.4(ATP7B):c.919A>C (p.Ser307Arg)

Gene: ATP7B (ATPase copper transporting beta; minus strand). Cytogenetic location: 13q14.3.
Variant type: single nucleotide variant.
Coding change: c.919A>C on transcript NM_000053.4 (MANE Select); coding-DNA position 919, A replaced by C.
Protein change: p.Ser307Arg; replaces serine 307 with arginine.
Molecular consequence: missense variant. On other transcripts: intron variant (2).
Genome position (GRCh38, 1-based): chr13:51,974,301, T>G on the plus strand (A>C on the coding strand, the complement: ATP7B is on the minus strand). VCF-style: chr13-51974301-T-G. GRCh37 (hg19) VCF-style: chr13-52548437-T-G.
Other names: c.919A>C, p.Ser307Arg (NM_001005918.3, NM_001330578.2, NM_001330579.2 and 29 more transcripts); c.823A>C, p.Ser275Arg (NM_001406517.1, NM_001406518.1, NM_001406530.1 and 3 more transcripts); c.802+117A>C (NM_001243182.2); c.706+117A>C (NM_001406539.1); short protein forms S275R, S307R.
Identifiers: ClinVar variation 4686977 (VCV004686977.1).

ClinVar aggregate classification (germline): Uncertain significance (1 of 4 stars; one submission).

Submission:

GeneDx
Classification: Uncertain significance. Last evaluated: 2025-07-24. Review status: criteria provided, single submitter. Criteria: GeneDx Variant Classification Process June 2021. Collection method: clinical testing. Allele origin: germline. Affected: yes.
Comment: Not observed at significant frequency in large population cohorts (gnomAD); In silico analysis supports that this missense variant has a deleterious effect on protein structure/function; Has not been previously published as pathogenic or benign to our knowledge